The following is an entry in ClinVar:

NM_007294.4(BRCA1):c.2682A>G (p.Lys894=)

Gene: BRCA1 (BRCA1 DNA repair associated; minus strand). Cytogenetic location: 17q21.31.
Variant type: single nucleotide variant.
Coding change: c.2682A>G on transcript NM_007294.4 (MANE Select); coding-DNA position 2682, A replaced by G.
Protein change: p.Lys894=; no amino-acid change (lysine 894 retained).
Molecular consequence: synonymous variant. On other transcripts: intron variant (137).
Genome position (GRCh38, 1-based): chr17:43,092,849, T>C on the plus strand (A>G on the coding strand, the complement: BRCA1 is on the minus strand). VCF-style: chr17-43092849-T-C. GRCh37 (hg19) VCF-style: chr17-41244866-T-C.
Other names: c.2682A>G, p.Lys894= (NM_001407625.1, NM_001407626.1, NM_001407581.1 and 30 more transcripts); c.2469A>G, p.Lys823= (NM_001407571.1, NM_001407853.1, NM_001407894.1 and 9 more transcripts); c.2679A>G, p.Lys893= (NM_001407627.1, NM_001407628.1, NM_001407629.1 and 22 more transcripts); c.2673A>G, p.Lys891= (NM_001407646.1, NM_001407647.1); c.2559A>G, p.Lys853= (NM_001407648.1, NM_001407664.1, NM_001407665.1 and 19 more transcripts); c.2556A>G, p.Lys852= (NM_001407649.1, NM_001407670.1, NM_001407671.1 and 11 more transcripts); c.2604A>G, p.Lys868= (NM_001407653.1, NM_001407654.1, NM_001407655.1 and 4 more transcripts); c.2601A>G, p.Lys867= (NM_001407659.1, NM_001407660.1, NM_001407661.1 and 1 more transcripts); and 41 more.
Identifiers: ClinVar variation 427283 (VCV000427283.11), dbSNP rs1131692093, ClinGen allele CA500232297.
Genomic context (GRCh38, chr17:43,092,849, plus strand): 5'-CTCATTCTTTCCTTGATTTTCTTCCTTTTGTTCACATTCAAAAGTGACTTTTGGACTTTG[T>C]TTCTTTAAGGACCCAGAGTGGGCAGAGAATGTTGCACATTCCTCTTCTGCATTTCCTGGA-3'
Protein context (NP_009225.1, residues 884-904): TFSAHSGSLK[Lys894=]QSPKVTFECE

ClinVar aggregate classification (germline): Likely benign. Review status: reviewed by expert panel (3 of 4 stars). 3 submissions from 3 submitters: Likely benign (1). 2 of the submissions do not count toward it. Last evaluated 2017-06-29.

Conditions:
Hereditary cancer-predisposing syndrome. Also called: Neoplastic Syndromes, Hereditary; Hereditary neoplastic syndrome; Tumor predisposition; Hereditary Cancer Syndrome. Identifiers: Orphanet 140162, MedGen C0027672, MeSH D009386, MONDO:0015356.
Breast-ovarian cancer, familial, susceptibility to, 1 (BROVCA1). Also called: BRCA1 Hereditary Breast and Ovarian Cancer; OVARIAN CANCER, SUSCEPTIBILITY TO. Identifiers: Orphanet 145, MedGen C2676676, MONDO:0011450, OMIM 604370. Disease mechanism: loss of function.

Submissions (3):

Evidence-based Network for the Interpretation of Germline Mutant Alleles (ENIGMA)
Classification: Likely benign for Breast-ovarian cancer, familial, susceptibility to, 1. Last evaluated: 2017-06-29. Review status: reviewed by expert panel. Criteria: ENIGMA BRCA1/2 Classification Criteria (2017-06-29). Collection method: curation. Allele origin: germline.
Comment: Synonymous substitution variant, with low bioinformatic likelihood to result in a splicing aberration (Splicing prior probability 0.02).

Center for Genomic Medicine, Rigshospitalet, Copenhagen University Hospital
Classification: Likely benign. Last evaluated: 2025-03-04. Review status: criteria provided, single submitter. Criteria: ACMG Guidelines, 2015. Collection method: clinical testing. Allele origin: germline. Not counted in ClinVar's aggregate classification.

Ambry Genetics
Classification: Likely benign for Hereditary cancer-predisposing syndrome. Last evaluated: 2021-07-14. Review status: criteria provided, single submitter. Criteria: Ambry Variant Classification Scheme 2023. Collection method: clinical testing. Allele origin: germline. Not counted in ClinVar's aggregate classification.